The following is an entry in ClinVar:

ClinVar aggregate classification (germline): Uncertain significance (1 of 4 stars; one submission).

Conditions:
Inborn genetic diseases. Identifiers: MedGen C0950123, MeSH D030342.

gnomAD v4.1: 1 of 1,503,482 alleles (0.000067%); highest among the groups gnomAD compares: Non-Finnish European, 0.000089%; no homozygotes.

Submission:

Ambry Genetics
Classification: Uncertain significance for Inborn genetic diseases. Last evaluated: 2026-04-04. Review status: criteria provided, single submitter. Criteria: Ambry Variant Classification Scheme 2023. Collection method: clinical testing. Allele origin: germline.
Comment: The p.D57N variant (also known as c.169G>A), located in coding exon 1 of the MRAS gene, results from a G to A substitution at nucleotide position 169. The aspartic acid at codon 57 is replaced by asparagine, an amino acid with highly similar properties. This amino acid position is conserved. In addition, this alteration is predicted to be tolerated by in silico analysis. Based on the available evidence, the clinical significance of this variant remains unclear.

NM_001085049.3(MRAS):c.169G>A (p.Asp57Asn)

Gene: MRAS (muscle RAS oncogene homolog; plus strand). Cytogenetic location: 3q22.3.
Variant type: single nucleotide variant.
Coding change: c.169G>A on transcript NM_001085049.3 (MANE Select); coding-DNA position 169, G replaced by A.
Protein change: p.Asp57Asn; replaces aspartic acid 57 with asparagine.
Molecular consequence: missense variant. On other transcripts: intron variant (3).
Genome position (GRCh38, 1-based): chr3:138,373,052, G>A. VCF-style: chr3-138373052-G-A. GRCh37 (hg19) VCF-style: chr3-138091894-G-A.
Other names: c.169G>A, p.Asp57Asn (NM_001252090.2, NM_012219.4); c.-35-24272G>A (NM_001252091.1, NM_001252093.2); c.-36+24020G>A (NM_001252092.2); short protein forms D57N.
Identifiers: ClinVar variation 4860263 (VCV004860263.1).
Genomic context (GRCh38, chr3:138,373,052, plus strand): 5'-ATCTTTGTGCCTGACTATGACCCCACCATTGAAGACTCCTACCTGAAACATACGGAGATT[G>A]ACAATCAATGGGCCATCTTGGACGGTGAGACCTGGGTGGCAGCCCTGCATTGGGTGGGAT-3'
Protein context (NP_001078518.1, residues 47-67): EDSYLKHTEI[Asp57Asn]NQWAILDVLD